The following is an entry in ClinVar:

NM_004998.4(MYO1E):c.1998C>T (p.Ser666=)

Gene: MYO1E (myosin IE; minus strand). Cytogenetic location: 15q22.2.
Variant type: single nucleotide variant.
Coding change: c.1998C>T on transcript NM_004998.4 (MANE Select); coding-DNA position 1998, C replaced by T.
Protein change: p.Ser666=; no amino-acid change (serine 666 retained).
Molecular consequence: synonymous variant.
Genome position (GRCh38, 1-based): chr15:59,178,444, G>A on the plus strand (C>T on the coding strand, the complement: MYO1E is on the minus strand). VCF-style: chr15-59178444-G-A. GRCh37 (hg19) VCF-style: chr15-59470643-G-A.
Identifiers: ClinVar variation 3047083 (VCV003047083.2), dbSNP rs539701587, ClinGen allele CA7589402.

ClinVar aggregate classification (germline): Likely benign (0 of 4 stars; one submission).

Conditions:
MYO1E-related disorder. Also called: MYO1E-related condition.

Allele frequency attached by ClinVar (database versions not stated): gnomAD exomes 0.00003; ExAC 0.00004; TOPMed 0.00006; gnomAD 0.00010; 1000 Genomes Project 30x 0.00016; 1000 Genomes Project 0.00020.
gnomAD v4.1: 63 of 1,614,202 alleles (0.0039%); highest among the groups gnomAD compares: African/African-American, 0.032%; no homozygotes.

Submission:

PreventionGenetics, part of Exact Sciences
Classification: Likely benign for MYO1E-related condition. Last evaluated: 2019-04-25. Review status: no assertion criteria provided. Collection method: clinical testing. Allele origin: germline.
Comment: This variant is classified as likely benign based on ACMG/AMP sequence variant interpretation guidelines (Richards et al. 2015 PMID: 25741868, with internal and published modifications).